The following is an entry in ClinVar:

ClinVar aggregate classification (germline): Uncertain significance (1 of 4 stars; one submission).

Conditions:
ACAN-related disorder. Also called: ACAN-related disorders; ACAN-related condition.

Allele frequency attached by ClinVar (database versions not stated): gnomAD exomes below 0.00001; TOPMed 0.00002.
gnomAD v4.1: 2 of 1,613,962 alleles (0.00012%); highest among the groups gnomAD compares: Admixed American, 0.0033%; no homozygotes.

Submission:

PreventionGenetics, part of Exact Sciences
Classification: Uncertain significance for ACAN-related condition. Last evaluated: 2022-08-23. Review status: criteria provided, single submitter. Criteria: ACMG Guidelines, 2015. Collection method: clinical testing. Allele origin: germline.
Comment: The ACAN c.6440T>G variant is predicted to result in the amino acid substitution p.Leu2147Arg. To our knowledge, this variant has not been reported in the literature. This variant is reported in 0.0029% of alleles in individuals of Latino descent in gnomAD. This variant falls within a highly paralogous region. Allele frequency data should be interpreted with caution. At this time, the clinical significance of this variant is uncertain due to the absence of conclusive functional and genetic eviden

NM_001369268.1(ACAN):c.6440T>G (p.Leu2147Arg)

Gene: ACAN (aggrecan; plus strand). Cytogenetic location: 15q26.1.
Variant type: single nucleotide variant.
Coding change: c.6440T>G on transcript NM_001369268.1 (MANE Select); coding-DNA position 6440, T replaced by G.
Protein change: p.Leu2147Arg; replaces leucine 2147 with arginine.
Molecular consequence: missense variant.
Genome position (GRCh38, 1-based): chr15:88,859,025, T>G. VCF-style: chr15-88859025-T-G. GRCh37 (hg19) VCF-style: chr15-89402256-T-G.
Other names: c.6440T>G, p.Leu2147Arg (NM_001135.4, NM_001411096.1, NM_001411097.1 and 1 more transcripts); short protein forms L2147R.
Identifiers: ClinVar variation 2635902 (VCV002635902.1), dbSNP rs1196263168, ClinGen allele CA393727258.
Genomic context (GRCh38, chr15:88,859,025, plus strand): 5'-CTGATCTGAGTGAAACCACCTCTGCATTCCACGAAGCTAACCTTGAGAGATCCTCTGGCC[T>G]AGGAGTGAGCGGCAGCACTTTGACATTTCAAGAAGGCGAGGCGTCCGCTGCCCCAGAAGT-3'
Protein context (NP_001356197.1, residues 2137-2157): HEANLERSSG[Leu2147Arg]GVSGSTLTFQ